The following is an entry in ClinVar:

NM_173076.3(ABCA12):c.5128+3A>G

Gene: ABCA12 (ATP binding cassette subfamily A member 12; minus strand). Cytogenetic location: 2q35.
Variant type: single nucleotide variant.
Coding change: c.5128+3A>G on transcript NM_173076.3 (MANE Select); 3 bases into the intron after coding-DNA position 5128, A replaced by G.
Molecular consequence: intron variant.
Genome position (GRCh38, 1-based): chr2:214,978,313, T>C on the plus strand (A>G on the coding strand, the complement: ABCA12 is on the minus strand). VCF-style: chr2-214978313-T-C. GRCh37 (hg19) VCF-style: chr2-215843037-T-C.
Other names: c.4174+3A>G (NM_015657.4).
Identifiers: ClinVar variation 4747120 (VCV004747120.1).

ClinVar aggregate classification (germline): Pathogenic (1 of 4 stars; one submission).

gnomAD v4.1: 1 of 1,614,012 alleles (0.000062%); highest among the groups gnomAD compares: Non-Finnish European, 0.000085%; no homozygotes.

Submission:

Labcorp Genetics (formerly Invitae), Labcorp
Classification: Pathogenic. Last evaluated: 2025-08-22. Review status: criteria provided, single submitter. Criteria: Invitae Variant Classification Sherloc (09022015). Collection method: clinical testing. Allele origin: germline.
Comment: This sequence change falls in intron 33 of the ABCA12 gene. It does not directly change the encoded amino acid sequence of the ABCA12 protein. It affects a nucleotide within the consensus splice site. This variant is not present in population databases (gnomAD no frequency). This variant has been observed in individual(s) with clinical features of congenital Ichthyosis (PMID: 21729033, 27025581). In at least one individual the data is consistent with being in trans (on the opposite chromosome) from a pathogenic variant. Variants that disrupt the consensus splice site are a relatively common cause of aberrant splicing (PMID: 17576681, 9536098). Algorithms developed to predict the effect of sequence changes on RNA splicing suggest that this variant may disrupt the consensus splice site. For these reasons, this variant has been classified as Pathogenic.

Literature cited by the submitters: PubMed 21729033; PubMed 27025581; PubMed 17576681; PubMed 9536098.